The following is an entry in ClinVar:

ClinVar aggregate classification (germline): Uncertain significance (1 of 4 stars; one submission).

Conditions:
Familial focal epilepsy with variable foci (FPEVF). Identifiers: Orphanet 98820, MedGen C1858477, MONDO:0020310.

Submission:

Labcorp Genetics (formerly Invitae), Labcorp
Classification: Uncertain significance for Familial focal epilepsy with variable foci. Last evaluated: 2024-05-31. Review status: criteria provided, single submitter. Criteria: Invitae Variant Classification Sherloc (09022015). Collection method: clinical testing. Allele origin: germline.
Comment: This sequence change replaces arginine, which is basic and polar, with proline, which is neutral and non-polar, at codon 587 of the DEPDC5 protein (p.Arg587Pro). This variant is present in population databases (rs754007438, gnomAD 0.003%). This variant has not been reported in the literature in individuals affected with DEPDC5-related conditions. Experimental studies and prediction algorithms are not available or were not evaluated, and the functional significance of this variant is currently unknown. In summary, the available evidence is currently insufficient to determine the role of this variant in disease. Therefore, it has been classified as a Variant of Uncertain Significance.

NM_001242896.3(DEPDC5):c.1760G>C (p.Arg587Pro)

Gene: DEPDC5 (DEP domain containing 5, GATOR1 subcomplex subunit; plus strand). Cytogenetic location: 22q12.3.
Variant type: single nucleotide variant.
Coding change: c.1760G>C on transcript NM_001242896.3 (MANE Select); coding-DNA position 1760, G replaced by C.
Protein change: p.Arg587Pro; replaces arginine 587 with proline.
Molecular consequence: missense variant. On other transcripts: non-coding transcript variant (5).
Genome position (GRCh38, 1-based): chr22:31,819,115, G>C. VCF-style: chr22-31819115-G-C. GRCh37 (hg19) VCF-style: chr22-32215101-G-C.
Other names: c.1760G>C, p.Arg587Pro (NM_001136029.4, NM_001242897.2, NM_001363852.2 and 6 more transcripts); c.1676G>C, p.Arg559Pro (NM_001369901.1, NM_001369902.1); short protein forms R559P, R587P.
Identifiers: ClinVar variation 3709199 (VCV003709199.2).